The following is an entry in ClinVar:

ClinVar aggregate classification (germline): Uncertain significance (1 of 4 stars; one submission).

gnomAD v4.1: 2 of 1,613,890 alleles (0.00012%); highest among the groups gnomAD compares: Non-Finnish European, 0.00017%; no homozygotes.

Submission:

Women's Health and Genetics/Laboratory Corporation of America, LabCorp
Classification: Uncertain significance. Last evaluated: 2023-03-27. Review status: criteria provided, single submitter. Criteria: LabCorp Variant Classification Summary - May 2015. Collection method: clinical testing. Allele origin: germline.
Comment: Variant summary: PHGDH c.1538C>T (p.Ser513Phe) results in a non-conservative amino acid change in the encoded protein sequence. Four of four in-silico tools predict a damaging effect of the variant on protein function. The variant was absent in 251356 control chromosomes (gnomAD). The available data on variant occurrences in the general population are insufficient to allow any conclusion about variant significance. c.1538C>T has been reported in the literature in an individual affected with multiple congenital anomalies - cataracts, cleft palate/micrognathia, mild left pulmonary artery stenosis, vertebral abnormality, hypertonia (example: Baldridge_2017). These data do not allow any conclusion about variant significance. To our knowledge, no experimental evidence demonstrating an impact on protein function has been reported. No clinical diagnostic laboratories have submitted clinical-significance assessments for this variant to ClinVar after 2014. Based on the evidence outlined above, the variant was classified as uncertain significance.

Literature cited by the submitters: PubMed 26633542; PubMed 33758422; PubMed 28252636.

NM_006623.4(PHGDH):c.1538C>T (p.Ser513Phe)

Gene: PHGDH (phosphoglycerate dehydrogenase; plus strand). Cytogenetic location: 1p12.
Variant type: single nucleotide variant.
Coding change: c.1538C>T on transcript NM_006623.4 (MANE Select); coding-DNA position 1538, C replaced by T.
Protein change: p.Ser513Phe; replaces serine 513 with phenylalanine.
Molecular consequence: missense variant.
Genome position (GRCh38, 1-based): chr1:119,743,976, C>T. VCF-style: chr1-119743976-C-T. GRCh37 (hg19) VCF-style: chr1-120286599-C-T.
Other names: short protein forms S513F.
Identifiers: ClinVar variation 2501182 (VCV002501182.1), dbSNP rs2464209672, ClinGen allele CA341854589.